The following is an entry in ClinVar:

ClinVar aggregate classification (germline): Pathogenic (1 of 4 stars; one submission).

Submission:

Labcorp Genetics (formerly Invitae), Labcorp
Classification: Pathogenic. Last evaluated: 2022-07-30. Review status: criteria provided, single submitter. Criteria: Invitae Variant Classification Sherloc (09022015). Collection method: clinical testing. Allele origin: germline.
Comment: For these reasons, this variant has been classified as Pathogenic. This variant is also known as c.873_874delCA. This premature translational stop signal has been observed in individual(s) with cleidocranial dysplasia (PMID: 12815605). This variant is not present in population databases (gnomAD no frequency). This sequence change creates a premature translational stop signal (p.Gln292Valfs*8) in the RUNX2 gene. It is expected to result in an absent or disrupted protein product. Loss-of-function variants in RUNX2 are known to be pathogenic (PMID: 10521292, 11857736).

Literature cited by the submitters: PubMed 12815605; PubMed 10521292; PubMed 11857736.

NM_001024630.4(RUNX2):c.874_875del (p.Gln292fs)

Gene: RUNX2 (RUNX family transcription factor 2; plus strand). Cytogenetic location: 6p21.1.
Variant type: Microsatellite.
Coding change: c.874_875del on transcript NM_001024630.4 (MANE Select); coding-DNA positions 874 to 875, 2 bases deleted (CA; older notation c.874_875delCA).
Protein change: p.Gln292fs; shifts the reading frame from glutamine 292.
Molecular consequence: frameshift variant.
Genome position (GRCh38, 1-based): chr6:45,512,260-45,512,261, CA deleted; deleting any 2 consecutive bases within chr6:45,512,258-45,512,261 gives the same sequence; the c. name uses the placement nearest the transcript's 3' end. VCF-style (leftmost placement, unchanged base first): chr6-45512257-GCA-G. GRCh37 (hg19) VCF-style: chr6-45479994-GCA-G.
Other names: c.874_875del, p.Gln292fs (NM_001015051.4); c.832_833del, p.Gln278fs (NM_001278478.2, NM_001369405.1); short protein forms Q278fs, Q292fs.
Identifiers: ClinVar variation 1458376 (VCV001458376.8), dbSNP rs2150421206, ClinGen allele CA2580614895.